The following is an entry in ClinVar:

NM_002336.3(LRP6):c.1631A>G (p.Tyr544Cys)

Gene: LRP6 (LDL receptor related protein 6; minus strand). Cytogenetic location: 12p13.2.
Variant type: single nucleotide variant.
Coding change: c.1631A>G on transcript NM_002336.3 (MANE Select); coding-DNA position 1631, A replaced by G.
Protein change: p.Tyr544Cys; replaces tyrosine 544 with cysteine.
Molecular consequence: missense variant.
Genome position (GRCh38, 1-based): chr12:12,165,210, T>C on the plus strand (A>G on the coding strand, the complement: LRP6 is on the minus strand). VCF-style: chr12-12165210-T-C. GRCh37 (hg19) VCF-style: chr12-12318144-T-C.
Other names: short protein forms Y544C.
Identifiers: ClinVar variation 1504554 (VCV001504554.6), dbSNP rs781332733, ClinGen allele CA6455621.

ClinVar aggregate classification (germline): Uncertain significance (1 of 4 stars; one submission).

Allele frequency attached by ClinVar (database versions not stated): TOPMed 0.00002; ExAC 0.00002; gnomAD 0.00002 and 0.00003; gnomAD exomes 0.00004.
gnomAD v4.1: 38 of 1,613,954 alleles (0.0024%); highest among the groups gnomAD compares: Admixed American, 0.0083%; no homozygotes.

Submission:

Labcorp Genetics (formerly Invitae), Labcorp
Classification: Uncertain significance. Last evaluated: 2025-08-03. Review status: criteria provided, single submitter. Criteria: Invitae Variant Classification Sherloc (09022015). Collection method: clinical testing. Allele origin: germline.
Comment: This sequence change replaces tyrosine, which is neutral and polar, with cysteine, which is neutral and slightly polar, at codon 544 of the LRP6 protein (p.Tyr544Cys). This variant is present in population databases (rs781332733, gnomAD 0.02%). This missense change has been observed in individual(s) with developmental disorder (PMID: 33057194, 35982159). This variant is also known as g.12318144T>C. ClinVar contains an entry for this variant (Variation ID: 1504554). Invitae Evidence Modeling of protein sequence and biophysical properties (such as structural, functional, and spatial information, amino acid conservation, physicochemical variation, residue mobility, and thermodynamic stability) indicates that this missense variant is not expected to disrupt LRP6 protein function with a negative predictive value of 80%. Experimental studies have shown that this missense change affects LRP6 function (PMID: 25546815). In summary, the available evidence is currently insufficient to determine the role of this variant in disease. Therefore, it has been classified as a Variant of Uncertain Significance.

Literature cited by the submitters: PubMed 33057194; PubMed 35982159; PubMed 25546815.